The following is an entry in ClinVar:

NM_001458.5(FLNC):c.2168_2170dup (p.Asp723_Gly724insAsp)

Gene: FLNC (filamin C; plus strand). Cytogenetic location: 7q32.1.
Variant type: Duplication.
Coding change: c.2168_2170dup on transcript NM_001458.5 (MANE Select); coding-DNA positions 2168 to 2170, 3 bases duplicated (ACG; older notation c.2168_2170dupACG).
Protein change: p.Asp723_Gly724insAsp.
Molecular consequence: inframe insertion.
Genome position (GRCh38, 1-based): chr7:128,842,277-128,842,279, ACG duplicated; duplicating any 3 consecutive bases within chr7:128,842,275-128,842,279 gives the same sequence; the c. name uses the placement nearest the transcript's 3' end. VCF-style (leftmost placement, unchanged base first): chr7-128842274-G-GCGA. GRCh37 (hg19) VCF-style: chr7-128482328-G-GCGA.
Other names: c.2168_2170dup, p.Asp723_Gly724insAsp (NM_001127487.2).
Identifiers: ClinVar variation 4812585 (VCV004812585.1).

ClinVar aggregate classification (germline): Uncertain significance (1 of 4 stars; one submission).

Conditions:
Hypertrophic cardiomyopathy 26. Also called: Cardiomyopathy, familial hypertrophic, 26. Identifiers: Orphanet 75249, MedGen C4310749, MONDO:0014883, OMIM 617047.
Myofibrillar myopathy 5. Also called: Filaminopathy (type); FILAMINOPATHY, AUTOSOMAL DOMINANT. Identifiers: Orphanet 171445, MedGen C1836050, MONDO:0012289, OMIM 609524.
Distal myopathy with posterior leg and anterior hand involvement. Also called: WILLIAMS DISTAL MYOPATHY. Identifiers: Orphanet 63273, MedGen C3279722, MONDO:0013550, OMIM 614065.

Submission:

Labcorp Genetics (formerly Invitae), Labcorp
Classification: Uncertain significance for Distal myopathy with posterior leg and anterior hand involvement; Myofibrillar myopathy 5; Hypertrophic cardiomyopathy 26. Last evaluated: 2026-01-13. Review status: criteria provided, single submitter. Criteria: Invitae Variant Classification Sherloc (09022015). Collection method: clinical testing. Allele origin: germline.
Comment: This variant, c.2168_2170dup, results in the insertion of 1 amino acid(s) of the FLNC protein (p.Asp723dup), but otherwise preserves the integrity of the reading frame. This variant is not present in population databases (gnomAD no frequency). This variant has not been reported in the literature in individuals affected with FLNC-related conditions. In summary, the available evidence is currently insufficient to determine the role of this variant in disease. Therefore, it has been classified as a Variant of Uncertain Significance.